The following is an entry in ClinVar:

ClinVar aggregate classification (germline): Uncertain significance (1 of 4 stars; one submission).

Conditions:
Intellectual developmental disorder, autosomal dominant 52. Also called: Intellectual disability, autosomal dominant 52; Mental retardation, autosomal dominant 52. Identifiers: MedGen C4540478, MONDO:0030918, OMIM 617796.

Submission:

Dasa
Classification: Uncertain significance for Intellectual developmental disorder, autosomal dominant 52. Last evaluated: 2026-04-02. Review status: criteria provided, single submitter. Criteria: DASA Assertion Criteria. Collection method: clinical testing. Allele origin: germline.
Comment: NM_018489.3(ASH1L):c.8738A>G (p.His2913Arg) is a missense variant that results in the substitution of histidine with arginine. This variant is absent from population databases. The currently available literature and clinical evidence are not sufficient to establish a definitive association between this variant and the reported condition. Therefore, this variant is classified as a variant of uncertain significance.

NM_018489.3(ASH1L):c.8738A>G (p.His2913Arg)

Gene: ASH1L (ASH1 like histone lysine methyltransferase; minus strand). Cytogenetic location: 1q22.
Variant type: single nucleotide variant.
Coding change: c.8738A>G on transcript NM_018489.3 (MANE Select); coding-DNA position 8738, A replaced by G.
Protein change: p.His2913Arg; replaces histidine 2913 with arginine.
Molecular consequence: missense variant.
Genome position (GRCh38, 1-based): chr1:155,338,154, T>C on the plus strand (A>G on the coding strand, the complement: ASH1L is on the minus strand). VCF-style: chr1-155338154-T-C. GRCh37 (hg19) VCF-style: chr1-155307945-T-C.
Other names: c.8753A>G, p.His2918Arg (NM_001366177.2); short protein forms H2913R, H2918R.
Identifiers: ClinVar variation 4881648 (VCV004881648.2).